The following is an entry in ClinVar:

ClinVar aggregate classification (germline): Pathogenic. Review status: criteria provided, multiple submitters, no conflicts (2 of 4 stars). 2 submissions from 2 submitters: Pathogenic (2). Last evaluated 2024-04-02.

Conditions:
Polycystic kidney disease 4 (PKD4). Also called: Autosomal Recessive Polycystic Kidney Disease – PKHD1; POLYCYSTIC KIDNEY AND HEPATIC DISEASE 1; POLYCYSTIC KIDNEY DISEASE, INFANTILE, TYPE I; POLYCYSTIC KIDNEY DISEASE 4 WITH OR WITHOUT POLYCYSTIC LIVER DISEASE; PKD3. Identifiers: MedGen C4540575, MONDO:0033004, OMIM 263200.
Autosomal recessive polycystic kidney disease (ARPKD). Also called: AR polycystic kidney disease. Identifiers: Orphanet 731, Orphanet 8378, MedGen C0085548, MeSH D017044, MONDO:0009889.

Allele frequency attached by ClinVar (database versions not stated): gnomAD exomes below 0.00001.

Submissions (2):

Fulgent Genetics
Classification: Pathogenic for Polycystic kidney disease 4. Last evaluated: 2024-04-02. Review status: criteria provided, single submitter. Criteria: ACMG Guidelines, 2015. Collection method: clinical testing. Allele origin: germline.

Labcorp Genetics (formerly Invitae), Labcorp
Classification: Pathogenic for Autosomal recessive polycystic kidney disease. Last evaluated: 2024-01-25. Review status: criteria provided, single submitter. Criteria: Invitae Variant Classification Sherloc (09022015). Collection method: clinical testing. Allele origin: germline.
Comment: This sequence change creates a premature translational stop signal (p.Tyr2623Thrfs*44) in the PKHD1 gene. It is expected to result in an absent or disrupted protein product. Loss-of-function variants in PKHD1 are known to be pathogenic (PMID: 19940839). This variant is not present in population databases (gnomAD no frequency). This premature translational stop signal has been observed in individual(s) with PKHD1-related conditions (PMID: 34536170). ClinVar contains an entry for this variant (Variation ID: 1979917). For these reasons, this variant has been classified as Pathogenic.

Literature cited by the submitters: PubMed 19940839 (cited by Labcorp Genetics (formerly Invitae), Labcorp); PubMed 34536170 (cited by Labcorp Genetics (formerly Invitae), Labcorp).

NM_138694.4(PKHD1):c.7867del (p.Tyr2623fs)

Gene: PKHD1 (PKHD1 ciliary IPT domain containing fibrocystin/polyductin; minus strand). Cytogenetic location: 6p12.2.
Variant type: Deletion.
Coding change: c.7867del on transcript NM_138694.4 (MANE Select); coding-DNA position 7867, one base deleted (T; older notation c.7867delT).
Protein change: p.Tyr2623fs; shifts the reading frame from tyrosine 2623.
Molecular consequence: frameshift variant.
Genome position (GRCh38, 1-based): chr6:51,855,937, A deleted on the plus strand (T on the coding strand, the reverse complement: PKHD1 is on the minus strand). VCF-style (leftmost placement, unchanged base first): chr6-51855936-TA-T. GRCh37 (hg19) VCF-style: chr6-51720734-TA-T.
Other names: c.7867del, p.Tyr2623fs (NM_170724.3); short protein forms Y2623fs.
Identifiers: ClinVar variation 1979917 (VCV001979917.5), dbSNP rs2535811564, ClinGen allele CA2580075442.